The following is an entry in ClinVar:

ClinVar aggregate classification (germline): Uncertain significance. Review status: criteria provided, multiple submitters, no conflicts (2 of 4 stars). 2 submissions from 2 submitters: Uncertain significance (2). Last evaluated 2024-11-04.

Conditions:
Neuropathy, hereditary sensory and autonomic, type 2A (HSAN2A). Also called: HSAN IIA; ACROOSTEOLYSIS, GIACCAI TYPE; ACROOSTEOLYSIS, NEUROGENIC; MORVAN DISEASE; NEUROPATHY, CONGENITAL SENSORY; NEUROPATHY, HEREDITARY SENSORY RADICULAR, AUTOSOMAL RECESSIVE. Identifiers: Orphanet 970, MedGen C2752089, MONDO:0024309, OMIM 201300.
Generalized epilepsy with febrile seizures plus, type 7 (GEFSP7). Also called: GEFS+, TYPE 7. Identifiers: Orphanet 36387, MedGen C2751778, MONDO:0013470, OMIM 613863.

Allele frequency attached by ClinVar (database versions not stated): TOPMed below 0.00001; gnomAD 0.00001; gnomAD exomes 0.00001; ExAC 0.00002.
gnomAD v4.1: 9 of 1,603,328 alleles (0.00056%); highest among the groups gnomAD compares: Middle Eastern, 0.017%; no homozygotes.

Submissions (2):

Labcorp Genetics (formerly Invitae), Labcorp
Classification: Uncertain significance for Neuropathy, hereditary sensory and autonomic, type 2A; Generalized epilepsy with febrile seizures plus, type 7. Last evaluated: 2024-11-04. Review status: criteria provided, single submitter. Criteria: Invitae Variant Classification Sherloc (09022015). Collection method: clinical testing. Allele origin: germline.
Comment: This sequence change replaces proline, which is neutral and non-polar, with leucine, which is neutral and non-polar, at codon 7 of the SCN9A protein (p.Pro7Leu). This variant is present in population databases (rs773012423, gnomAD 0.003%). This variant has not been reported in the literature in individuals affected with SCN9A-related conditions. ClinVar contains an entry for this variant (Variation ID: 845887). Invitae Evidence Modeling of protein sequence and biophysical properties (such as structural, functional, and spatial information, amino acid conservation, physicochemical variation, residue mobility, and thermodynamic stability) has been performed for this missense variant. However, the output from this modeling did not meet the statistical confidence thresholds required to predict the impact of this variant on SCN9A protein function. In summary, the available evidence is currently insufficient to determine the role of this variant in disease. Therefore, it has been classified as a Variant of Uncertain Significance.

Mayo Clinic Laboratories, Mayo Clinic
Classification: Uncertain significance. Last evaluated: 2021-09-17. Review status: criteria provided, single submitter. Criteria: ACMG Guidelines, 2015. Collection method: clinical testing. Allele origin: germline.

NM_001365536.1(SCN9A):c.20C>T (p.Pro7Leu)

Gene: SCN9A (sodium voltage-gated channel alpha subunit 9; minus strand). Cytogenetic location: 2q24.3.
Variant type: single nucleotide variant.
Coding change: c.20C>T on transcript NM_001365536.1 (MANE Select); coding-DNA position 20, C replaced by T.
Protein change: p.Pro7Leu; replaces proline 7 with leucine.
Molecular consequence: missense variant.
Genome position (GRCh38, 1-based): chr2:166,311,737, G>A on the plus strand (C>T on the coding strand, the complement: SCN9A is on the minus strand). VCF-style: chr2-166311737-G-A. GRCh37 (hg19) VCF-style: chr2-167168247-G-A.
Other names: p.Pro7Leu; c.20C>T, p.Pro7Leu (NM_002977.4); short protein forms P7L.
Identifiers: ClinVar variation 845887 (VCV000845887.13), dbSNP rs773012423, ClinGen allele CA1944906.
Genomic context (GRCh38, chr2:166,311,737, plus strand): 5'-ATGCGTTGTTCAATGAGGGCAAGAGACTGTTTTGTGAAATGGACAAAGCTCTGAGGTCCT[G>A]GGGGAGGCAACATTGCCATCTTTTCATCCTGTATATTTTAATTCCTCTTCAGCTCCTCAC-3'
Protein context (NP_001352465.1, residues 1-17): MAMLPP[Pro7Leu]GPQSFVHFTK